The following is an entry in ClinVar:

NM_001042492.3(NF1):c.176CTA[1] (p.Thr60del)

Gene: NF1 (neurofibromin 1; plus strand). Cytogenetic location: 17q11.2.
Variant type: Microsatellite.
Coding change: c.176CTA[1] on transcript NM_001042492.3 (MANE Select); one copy of the 3-base unit CTA starting at c.176; the reference has two copies in a row; one copy, 3 bases deleted.
Protein change: p.Thr60del; deletes threonine 60.
Molecular consequence: inframe deletion. On other transcripts: inframe indel (1).
Genome position (GRCh38, 1-based): chr17:31,156,101-31,156,103, CTA deleted; deleting any 3 consecutive bases within chr17:31,156,097-31,156,103 gives the same sequence; the position shown is the placement nearest the transcript's 3' end. VCF-style (leftmost placement, unchanged base first): chr17-31156096-CACT-C. GRCh37 (hg19) VCF-style: chr17-29483114-CACT-C.
Other names: c.179_181del (NM_000267.3); c.179_181delCTA (NM_000267.3); c.176_178CTA[1], p.Thr60del (NM_000267.4); c.176CTA[1], p.Thr60del (NM_001128147.3); short protein forms T60del.
Identifiers: ClinVar variation 1317701 (VCV001317701.10), dbSNP rs2143627187, ClinGen allele CA2580614042.

ClinVar aggregate classification (germline): Conflicting classifications of pathogenicity. Review status: criteria provided, conflicting classifications (1 of 4 stars). 4 submissions from 4 submitters: Pathogenic (1); Likely pathogenic (2); Uncertain significance (1). Last evaluated 2021-08-19.

Conditions:
NF1-related disorder. Also called: NF1-related condition. Identifiers: MedGen CN379171.
Hereditary cancer-predisposing syndrome. Also called: Hereditary Cancer Syndrome; Neoplastic Syndromes, Hereditary; Tumor predisposition; Hereditary neoplastic syndrome. Identifiers: Orphanet 140162, MedGen C0027672, MeSH D009386, MONDO:0015356.
Cardiovascular phenotype. Identifiers: MedGen CN230736.
Neurofibromatosis, type 1 (NF1). Also called: VON RECKLINGHAUSEN DISEASE; Peripheral type neurofibromatosis; NEUROFIBROMATOSIS, TYPE I, SOMATIC; Neurofibromatosis, type I. Identifiers: Orphanet 636, MedGen C0027831, MONDO:0018975, OMIM 162200. Disease mechanism: loss of function.

Submissions (4):

Blueprint Genetics
Classification: Likely pathogenic for NF1-related disorders. Last evaluated: 2021-08-19. Review status: criteria provided, single submitter. Criteria: ACMG Guidelines, 2015. Collection method: clinical testing. Allele origin: germline. Affected: yes. Observed: 1 variant allele.

Labcorp Genetics (formerly Invitae), Labcorp
Classification: Pathogenic for Neurofibromatosis, type 1. Last evaluated: 2021-08-18. Review status: criteria provided, single submitter. Criteria: Invitae Variant Classification Sherloc (09022015). Collection method: clinical testing. Allele origin: germline.
Comment: For these reasons, this variant has been classified as Pathogenic. This variant is also known as c.177_179delTAC (p.60delTyr). This variant has been observed in individual(s) with clinical features of neurofibromatosis type 1 (PMID: 18546366, 26558229; Invitae). In at least one individual the variant was observed to be de novo. This variant is not present in population databases (ExAC no frequency). This variant, c.179_181del, results in the deletion of 1 amino acid(s) of the NF1 protein (p.Thr60del), but otherwise preserves the integrity of the reading frame.

Ambry Genetics
Classification: Likely pathogenic for Cardiovascular phenotype; Hereditary cancer-predisposing syndrome. Last evaluated: 2019-11-21. Review status: criteria provided, single submitter. Criteria: Ambry Variant Classification Scheme 2023. Collection method: clinical testing. Allele origin: germline.
Comment: The c.179_181delCTA variant (also known as p.T60del), located in coding exon 2 of the NF1 gene, results from an in-frame deletion of CTA at nucleotide positions 179 to 181. This results in the deletion of the threonine residue at codon 60. This alteration has been reported in several individuals with a clinical diagnosis of neurofibromatosis type 1 (NF1) (Ambry internal data; Pros E et al. Hum. Mutat., 2008 Sep;29:E173-93; Peng J et al. Int J Ophthalmol, 2015 Oct;8:1078-9). Of note, this alteration is designated as c.177_179delTAC in Peng et al. This amino acid position is not well conserved in available vertebrate species. In addition, this alteration is predicted to be deleterious by in silico analysis (Choi Y et al. PLoS ONE. 2012; 7(10):e46688). Based on the majority of available evidence to date, this variant is likely to be pathogenic.

GeneDx
Classification: Uncertain significance. Last evaluated: 2019-02-21. Review status: criteria provided, single submitter. Criteria: GeneDx Variant Classification Process June 2021. Collection method: clinical testing. Allele origin: germline. Affected: yes.
Comment: Not observed in large population cohorts (Lek et al., 2016); In-frame deletion of one amino acids in a non-repeat region; In silico analysis, which includes protein predictors and evolutionary conservation, supports a deleterious effect; This variant is associated with the following publications: (PMID: 26558229, 18546366)

Literature cited by the submitters: PubMed 18546366 (cited by Labcorp Genetics (formerly Invitae), Labcorp); PubMed 26558229 (cited by Labcorp Genetics (formerly Invitae), Labcorp).